The following is an entry in ClinVar:

ClinVar aggregate classification (germline): Pathogenic/Likely pathogenic. Review status: criteria provided, multiple submitters, no conflicts (2 of 4 stars). 3 submissions from 3 submitters: Pathogenic (1); Likely pathogenic (2). Last evaluated 2026-03-06.

Conditions:
CCDC39-related disorder. Also called: CCDC39-related condition.
Primary ciliary dyskinesia. Also called: Ciliary dyskinesia. Identifiers: Orphanet 244, MedGen C0008780, MONDO:0016575, HP:0012265.
Primary ciliary dyskinesia 14. Also called: CILIARY DYSKINESIA, PRIMARY, 14, WITH OR WITHOUT SITUS INVERSUS. Identifiers: Orphanet 244, MedGen C3151136, MONDO:0013434, OMIM 613807.

Allele frequency attached by ClinVar (database versions not stated): gnomAD exomes 0.00001.

Submissions (3):

PreventionGenetics, part of Exact Sciences
Classification: Likely pathogenic for CCDC39-related condition. Last evaluated: 2026-03-06. Review status: criteria provided, single submitter. Criteria: ACMG Guidelines, 2015. Collection method: clinical testing. Allele origin: germline.
Comment: The CCDC39 c.1848delT variant is predicted to result in premature protein termination (p.Tyr616*). To our knowledge, this variant has not been reported in the literature or in a large population database (gnomAD), indicating this variant is rare. A variant resulting in the same premature truncation c.1848T>G (p.Tyr616*) has been reported along with a second pathogenic variant in an individual with primary ciliary dyskinesia (Blanchon et al. 2012. PubMed ID: 22693285). Taken together, this variant is interpreted as likely pathogenic.

Fulgent Genetics
Classification: Likely pathogenic for Primary ciliary dyskinesia 14. Last evaluated: 2024-01-29. Review status: criteria provided, single submitter. Criteria: ACMG Guidelines, 2015. Collection method: clinical testing. Allele origin: germline.

Labcorp Genetics (formerly Invitae), Labcorp
Classification: Pathogenic for Primary ciliary dyskinesia. Last evaluated: 2023-09-27. Review status: criteria provided, single submitter. Criteria: Invitae Variant Classification Sherloc (09022015). Collection method: clinical testing. Allele origin: germline.
Comment: For these reasons, this variant has been classified as Pathogenic. ClinVar contains an entry for this variant (Variation ID: 653672). This premature translational stop signal has been observed in individual(s) with primary ciliary dyskinesia (PMID: 22693285). This variant is not present in population databases (gnomAD no frequency). This sequence change creates a premature translational stop signal (p.Tyr616*) in the CCDC39 gene. It is expected to result in an absent or disrupted protein product. Loss-of-function variants in CCDC39 are known to be pathogenic (PMID: 21131972, 23255504).

Literature cited by the submitters: PubMed 22693285 (cited by Labcorp Genetics (formerly Invitae), Labcorp); PubMed 21131972 (cited by Labcorp Genetics (formerly Invitae), Labcorp); PubMed 23255504 (cited by Labcorp Genetics (formerly Invitae), Labcorp).

NM_181426.2(CCDC39):c.1848del (p.Arg615_Tyr616insTer)

Gene: CCDC39 (coiled-coil domain 39 molecular ruler complex subunit; minus strand). Cytogenetic location: 3q26.33.
Variant type: Deletion.
Coding change: c.1848del on transcript NM_181426.2 (MANE Select); coding-DNA position 1848, one base deleted (T; older notation c.1848delT).
Protein change: p.Arg615_Tyr616insTer.
Molecular consequence: nonsense.
Genome position (GRCh38, 1-based): chr3:180,642,019, A deleted on the plus strand (T on the coding strand, the reverse complement: CCDC39 is on the minus strand). VCF-style (leftmost placement, unchanged base first): chr3-180642018-CA-C. GRCh37 (hg19) VCF-style: chr3-180359806-CA-C.
Other names: c.1848delT (NM_181426.1).
Identifiers: ClinVar variation 653672 (VCV000653672.13), dbSNP rs1576941580, ClinGen allele CA915941630.